The following is an entry in ClinVar:

ClinVar aggregate classification (germline): Uncertain significance. Review status: criteria provided, multiple submitters, no conflicts (2 of 4 stars). 2 submissions from 2 submitters: Uncertain significance (2). Last evaluated 2023-11-16.

Allele frequency attached by ClinVar (database versions not stated): TOPMed below 0.00001; gnomAD 0.00001 and 0.00005; gnomAD exomes 0.00004; ExAC 0.00006; 1000 Genomes Project 30x 0.00062; 1000 Genomes Project 0.00080.

Submissions (2):

Blueprint Genetics
Classification: Uncertain significance. Last evaluated: 2023-11-16. Review status: criteria provided, single submitter. Criteria: ACMG Guidelines, 2015. Collection method: clinical testing. Allele origin: germline.

Labcorp Genetics (formerly Invitae), Labcorp
Classification: Uncertain significance. Last evaluated: 2022-06-13. Review status: criteria provided, single submitter. Criteria: Invitae Variant Classification Sherloc (09022015). Collection method: clinical testing. Allele origin: germline.
Comment: This sequence change replaces lysine, which is basic and polar, with arginine, which is basic and polar, at codon 1540 of the KIAA1549 protein (p.Lys1540Arg). This variant is present in population databases (rs376555455, gnomAD 0.05%). This variant has not been reported in the literature in individuals affected with KIAA1549-related conditions. ClinVar contains an entry for this variant (Variation ID: 1024234). Algorithms developed to predict the effect of missense changes on protein structure and function (SIFT, PolyPhen-2, Align-GVGD) all suggest that this variant is likely to be disruptive. Algorithms developed to predict the effect of sequence changes on RNA splicing suggest that this variant may create or strengthen a splice site. In summary, the available evidence is currently insufficient to determine the role of this variant in disease. Therefore, it has been classified as a Variant of Uncertain Significance.

NM_001164665.2(KIAA1549):c.4619A>G (p.Lys1540Arg)

Gene: KIAA1549 (KIAA1549; minus strand). Cytogenetic location: 7q34.
Variant type: single nucleotide variant.
Coding change: c.4619A>G on transcript NM_001164665.2 (MANE Select); coding-DNA position 4619, A replaced by G.
Protein change: p.Lys1540Arg; replaces lysine 1540 with arginine.
Molecular consequence: missense variant.
Genome position (GRCh38, 1-based): chr7:138,869,694, T>C on the plus strand (A>G on the coding strand, the complement: KIAA1549 is on the minus strand). VCF-style: chr7-138869694-T-C. GRCh37 (hg19) VCF-style: chr7-138554440-T-C.
Other names: c.4619A>G, p.Lys1540Arg (NM_020910.3); short protein forms K1540R.
Identifiers: ClinVar variation 1024234 (VCV001024234.7), dbSNP rs376555455, ClinGen allele CA4505821.